The following is an entry in ClinVar:

ClinVar aggregate classification (germline): Likely benign (1 of 4 stars; one submission).

Submission:

CeGaT Center for Human Genetics Tuebingen
Classification: Likely benign. Last evaluated: 2026-08-01. Review status: criteria provided, single submitter. Criteria: CeGaT Center For Human Genetics Tuebingen Variant Classification Criteria Version 2. Collection method: clinical testing. Allele origin: germline. Affected: yes. Observed: 3 variant alleles.
Comment: TUBA8: BS2

NC_000022.11:g.18145695C>A

Gene: TUBA8 (tubulin alpha 8; plus strand). Cytogenetic location: 22q11.21.
Variant type: single nucleotide variant.
Genome position: GRCh38 VCF-style: chr22-18145695-C-A. GRCh37 (hg19) VCF-style: chr22-18628462-C-A.
Identifiers: ClinVar variation 3387865 (VCV003387865.14).
Genomic context (GRCh38, chr22:18,145,695, plus strand): 5'-TGCCAATATTGTCCTTTACAGCCAAAGGATCCAGTTGGGGATCTCCTGTTCATCTATGAC[C>A]TCTTTGGTCTCTGCCAGTCTGGAGCCGTTCCTCAAAGCTGTCTTTGATTTTCATGAATCG-3'